The following is an entry in ClinVar:

NM_001079.4(ZAP70):c.728C>T (p.Ala243Val)

Gene: ZAP70 (zeta chain of T cell receptor associated protein kinase 70; plus strand). Cytogenetic location: 2q11.2.
Variant type: single nucleotide variant.
Coding change: c.728C>T on transcript NM_001079.4 (MANE Select); coding-DNA position 728, C replaced by T.
Protein change: p.Ala243Val; replaces alanine 243 with valine.
Molecular consequence: missense variant.
Genome position (GRCh38, 1-based): chr2:97,733,150, C>T. VCF-style: chr2-97733150-C-T. GRCh37 (hg19) VCF-style: chr2-98349613-C-T.
Other names: c.728C>T, p.Ala243Val (NM_001378594.1); short protein forms A243V.
Identifiers: ClinVar variation 2065702 (VCV002065702.2), dbSNP rs754055723, ClinGen allele CA1790193.

ClinVar aggregate classification (germline): Uncertain significance (1 of 4 stars; one submission).

Conditions:
Combined immunodeficiency due to ZAP70 deficiency (IMD48). Also called: Immunodeficiency 48; ZAP70 Deficiency. Identifiers: Orphanet 911, MedGen C2931299, MONDO:0010023, OMIM 269840.

Allele frequency attached by ClinVar (database versions not stated): gnomAD exomes 0.00001; TOPMed 0.00002; ExAC 0.00001; gnomAD 0.00001.
gnomAD v4.1: 21 of 1,613,820 alleles (0.0013%); highest among the groups gnomAD compares: African/African-American, 0.0027%; no homozygotes.

Submission:

Labcorp Genetics (formerly Invitae), Labcorp
Classification: Uncertain significance for Combined immunodeficiency due to ZAP70 deficiency. Last evaluated: 2022-03-31. Review status: criteria provided, single submitter. Criteria: Invitae Variant Classification Sherloc (09022015). Collection method: clinical testing. Allele origin: germline.
Comment: Algorithms developed to predict the effect of sequence changes on RNA splicing suggest that this variant may create or strengthen a splice site. In summary, the available evidence is currently insufficient to determine the role of this variant in disease. Therefore, it has been classified as a Variant of Uncertain Significance. Experimental studies have shown that this missense change affects ZAP70 function (PMID: 24164480). Algorithms developed to predict the effect of missense changes on protein structure and function are either unavailable or do not agree on the potential impact of this missense change (SIFT: "Not Available"; PolyPhen-2: "Benign"; Align-GVGD: "Not Available"). This variant has not been reported in the literature in individuals affected with ZAP70-related conditions. This variant is present in population databases (rs754055723, gnomAD 0.002%). This sequence change replaces alanine, which is neutral and non-polar, with valine, which is neutral and non-polar, at codon 243 of the ZAP70 protein (p.Ala243Val).

Literature cited by the submitters: PubMed 24164480.